The following is an entry in ClinVar:

ClinVar aggregate classification (germline): Pathogenic (1 of 4 stars; one submission).

Conditions:
Cardiovascular phenotype. Identifiers: MedGen CN230736.

Submission:

Ambry Genetics
Classification: Pathogenic for Cardiovascular phenotype. Last evaluated: 2021-11-01. Review status: criteria provided, single submitter. Criteria: Ambry Variant Classification Scheme 2023. Collection method: clinical testing. Allele origin: germline.
Comment: The c.313_314delGT variant, located in coding exon 3 of the ENG gene, results from a deletion of two nucleotides at nucleotide positions 313 to 314, causing a translational frameshift with a predicted alternate stop codon (p.V105Lfs*43). This alteration has been observed in at least one individual with a personal and/or family history that is consistent with ENG-related disease (Ambry internal data). This variant is considered to be rare based on population cohorts in the Genome Aggregation Database (gnomAD). This alteration is expected to result in loss of function by premature protein truncation or nonsense-mediated mRNA decay. As such, this alteration is interpreted as a disease-causing mutation.

NM_001114753.3(ENG):c.313_314del (p.Val105fs)

Gene: ENG (endoglin; minus strand). Cytogenetic location: 9q34.11.
Variant type: Microsatellite.
Coding change: c.313_314del on transcript NM_001114753.3 (MANE Select); coding-DNA positions 313 to 314, 2 bases deleted (GT; older notation c.313_314delGT).
Protein change: p.Val105fs; shifts the reading frame from valine 105.
Molecular consequence: frameshift variant. On other transcripts: 5 prime UTR variant (1).
Genome position (GRCh38, 1-based): chr9:127,829,733-127,829,734, AC deleted on the plus strand (GT on the coding strand, the reverse complement: ENG is on the minus strand); deleting any 2 consecutive bases within chr9:127,829,733-127,829,736 gives the same sequence; the c. name uses the placement nearest the transcript's 3' end. VCF-style (leftmost placement, unchanged base first): chr9-127829732-GAC-G. GRCh37 (hg19) VCF-style: chr9-130592011-GAC-G.
Other names: c.311_312GT[1], p.Val105Leufs (NM_000118.4, NM_001406715.1); c.-236GT[1] (NM_001278138.2); short protein forms V105fs.
Identifiers: ClinVar variation 1727955 (VCV001727955.2), dbSNP rs2539083090, ClinGen allele CA2580616309.